The following is an entry in ClinVar:

ClinVar aggregate classification (germline): Pathogenic. Review status: criteria provided, single submitter (1 of 4 stars). 2 submissions from 2 submitters: Pathogenic (1). 1 of the submissions does not count toward it. Last evaluated 2021-10-15.

Conditions:
Finnish congenital nephrotic syndrome (NPHS1). Also called: NEPHROTIC SYNDROME, TYPE 1. Identifiers: Orphanet 839, MedGen C0403399, MONDO:0009732, OMIM 256300.

Submissions (2):

Labcorp Genetics (formerly Invitae), Labcorp
Classification: Pathogenic. Last evaluated: 2021-10-15. Review status: criteria provided, single submitter. Criteria: Invitae Variant Classification Sherloc (09022015). Collection method: clinical testing. Allele origin: germline.
Comment: This sequence change creates a premature translational stop signal (p.Ile173Phefs*3) in the NPHS1 gene. It is expected to result in an absent or disrupted protein product. Loss-of-function variants in NPHS1 are known to be pathogenic (PMID: 11317351, 11854170, 12039988). This variant is not present in population databases (ExAC no frequency). This premature translational stop signal has been observed in individual(s) with steroid-resistant nephrotic syndrome (PMID: 18614772). This variant is also known as p.T712fs175X. ClinVar contains an entry for this variant (Variation ID: 56510). For these reasons, this variant has been classified as Pathogenic.

Juha Muilu Group; Institute for Molecular Medicine Finland (FIMM)
Classification: Likely pathogenic for Finnish congenital nephrotic syndrome. Review status: no assertion criteria provided. Collection method: not provided. Allele origin: unknown. Not counted in ClinVar's aggregate classification.
Comment: FinDis database variant: FinDis database variant: This variant was not found or characterized by our laboratory, data were collected from public sources: see reference
ClinVar note: Converted during submission from probable-pathogenic to Likely pathogenic.

Literature cited by the submitters: PubMed 11317351 (cited by Labcorp Genetics (formerly Invitae), Labcorp); PubMed 11854170 (cited by Labcorp Genetics (formerly Invitae), Labcorp); PubMed 12039988 (cited by Labcorp Genetics (formerly Invitae), Labcorp); PubMed 18614772 (cited by Labcorp Genetics (formerly Invitae), Labcorp).

NM_004646.4(NPHS1):c.516del (p.Ile173fs)

Gene: NPHS1 (NPHS1 adhesion molecule, nephrin; minus strand). Cytogenetic location: 19q13.12.
Variant type: Deletion.
Coding change: c.516del on transcript NM_004646.4 (MANE Select); coding-DNA position 516, one base deleted (C; older notation c.516delC).
Protein change: p.Ile173fs; shifts the reading frame from isoleucine 173.
Molecular consequence: frameshift variant.
Genome position (GRCh38, 1-based): chr19:35,850,971, G deleted on the plus strand (C on the coding strand, the reverse complement: NPHS1 is on the minus strand); the first of 2 consecutive G bases (chr19:35,850,971-35,850,972); deleting either gives the same sequence. VCF-style (leftmost placement, unchanged base first): chr19-35850970-TG-T. GRCh37 (hg19) VCF-style: chr19-36341872-TG-T.
Other names: c.516delC (NM_004646.3); short protein forms I173fs.
Identifiers: ClinVar variation 56510 (VCV000056510.7), dbSNP rs386833948, ClinGen allele CA250250.
Genomic context (GRCh38, chr19:35,850,970, plus strand): 5'-CACTCCAGAGGCTTCATGCTGCCCCCTGCCACCCAGTTCACCCACACTCACTCAGGAGAA[TG>T]GTGATGTCAGGTGCTGGCTTCGCGTCCCCAGACACACAGTTGACCACGTACTCCTGCCCA-3'